The following is an entry in ClinVar:

ClinVar aggregate classification (germline): Uncertain significance (1 of 4 stars; one submission).

Submission:

Labcorp Genetics (formerly Invitae), Labcorp
Classification: Uncertain significance. Last evaluated: 2022-02-25. Review status: criteria provided, single submitter. Criteria: Invitae Variant Classification Sherloc (09022015). Collection method: clinical testing. Allele origin: germline.
Comment: This sequence change replaces valine, which is neutral and non-polar, with leucine, which is neutral and non-polar, at codon 1082 of the ABCC6 protein (p.Val1082Leu). This variant is not present in population databases (gnomAD no frequency). This variant has not been reported in the literature in individuals affected with ABCC6-related conditions. Advanced modeling of protein sequence and biophysical properties (such as structural, functional, and spatial information, amino acid conservation, physicochemical variation, residue mobility, and thermodynamic stability) performed at Invitae indicates that this missense variant is not expected to disrupt ABCC6 protein function. In summary, the available evidence is currently insufficient to determine the role of this variant in disease. Therefore, it has been classified as a Variant of Uncertain Significance.

NM_001171.6(ABCC6):c.3244G>C (p.Val1082Leu)

Gene: ABCC6 (ATP binding cassette subfamily C member 6; minus strand). Cytogenetic location: 16p13.11.
Variant type: single nucleotide variant.
Coding change: c.3244G>C on transcript NM_001171.6 (MANE Select); coding-DNA position 3244, G replaced by C.
Protein change: p.Val1082Leu; replaces valine 1082 with leucine.
Molecular consequence: missense variant. On other transcripts: non-coding transcript variant (1).
Genome position (GRCh38, 1-based): chr16:16,165,685, C>G on the plus strand (G>C on the coding strand, the complement: ABCC6 is on the minus strand). VCF-style: chr16-16165685-C-G. GRCh37 (hg19) VCF-style: chr16-16259542-C-G.
Other names: c.2902G>C, p.Val968Leu (NM_001351800.1); short protein forms V1082L, V968L.
Identifiers: ClinVar variation 2103504 (VCV002103504.4), dbSNP rs746841085, ClinGen allele CA394882839.